The following is an entry in ClinVar:

ClinVar aggregate classification (germline): Likely pathogenic (1 of 4 stars; one submission).

Conditions:
Pontoneocerebellar hypoplasia. Also called: Pontocerebellar hypoplasia; Non-syndromic pontocerebellar hypoplasia. Identifiers: Orphanet 98523, MedGen C1261175, MONDO:0020135.

Submission:

Women's Health and Genetics/Laboratory Corporation of America, LabCorp
Classification: Likely pathogenic for Pontoneocerebellar hypoplasia. Last evaluated: 2022-01-18. Review status: criteria provided, single submitter. Criteria: LabCorp Variant Classification Summary - May 2015. Collection method: clinical testing. Allele origin: germline.
Comment: Variant summary: The variant identified by MLPA or other technology involves the deletion of exons 6-10 in the VRK1 gene. A presumed nomenclature of c.(374+1_375-1)_(889+1_890-1)del has been designated for the purposes of this classification. Although exact breakpoints of this deletion are not known, it is expected to result in a frameshift in the VRK1 gene, a known mechanism of disease. The variant was absent in 21694 control chromosomes (gnomAD SVs database). To our knowledge, no occurrence of c.(374+1_375-1)_(889+1_890-1)del in individuals affected with Pontocerebellar Hypoplasia, Type 1A and no experimental evidence demonstrating its impact on protein function have been reported. No clinical diagnostic laboratories have submitted clinical-significance assessments for this variant to ClinVar after 2014. Based on the evidence outlined above, the variant was classified as likely pathogenic.

NC_000014.8:g.(97313682_97319167)_(97322924_97326893)del

Gene: VRK1 (VRK serine/threonine kinase 1; plus strand). Cytogenetic location: 14q32.2.
Variant type: Deletion.
Identifiers: ClinVar variation 1339714 (VCV001339714.1).